The following is an entry in ClinVar:

NM_004415.4(DSP):c.7702G>A (p.Gly2568Ser)

Gene: DSP (desmoplakin; plus strand). Cytogenetic location: 6p24.3.
Variant type: single nucleotide variant.
Coding change: c.7702G>A on transcript NM_004415.4 (MANE Select); coding-DNA position 7702, G replaced by A.
Protein change: p.Gly2568Ser; replaces glycine 2568 with serine.
Molecular consequence: missense variant.
Genome position (GRCh38, 1-based): chr6:7,584,964, G>A. VCF-style: chr6-7584964-G-A. GRCh37 (hg19) VCF-style: chr6-7585197-G-A.
Other names: c.5905G>A, p.Gly1969Ser (NM_001008844.3); c.6373G>A, p.Gly2125Ser (NM_001319034.2); c.7702G>A (NM_004415.3); short protein forms G1969S, G2568S, G2125S.
Identifiers: ClinVar variation 859879 (VCV000859879.16), dbSNP rs139486943, ClinGen allele CA050483.

ClinVar aggregate classification (germline): Conflicting classifications of pathogenicity. Review status: criteria provided, conflicting classifications (1 of 4 stars). 5 submissions from 5 submitters: Uncertain significance (3); Likely benign (2). Last evaluated 2025-12-02.

Conditions:
Cardiovascular phenotype. Identifiers: MedGen CN230736.
Cardiomyopathy (CMYO). Also called: Cardiomyopathies. Identifiers: Orphanet 167848, MedGen C0878544, MONDO:0004994, HP:0001638. Inheritance: Various modes of inheritance.
DSP-related disorder. Also called: DSP-related disorders; DSP-related condition.
Arrhythmogenic cardiomyopathy with wooly hair and keratoderma. Also called: Carvajal syndrome; Dilated cardiomyopathy with woolly hair and keratoderma; PALMOPLANTAR KERATODERMA WITH LEFT VENTRICULAR CARDIOMYOPATHY AND WOOLLY HAIR; Arrhythmogenic cardiomyopathy with woolly hair and keratoderma. Identifiers: Orphanet 65282, MedGen C1854063, MONDO:0011581, OMIM 605676.
Arrhythmogenic right ventricular dysplasia 8 (ARVD8). Also called: Arrhythmogenic Right Ventricular Dysplasia/Cardiomyopathy 8; ARRHYTHMOGENIC RIGHT VENTRICULAR DYSPLASIA, FAMILIAL, 8; ARRHYTHMOGENIC RIGHT VENTRICULAR CARDIOMYOPATHY 8. Identifiers: MedGen C1843896, MONDO:0011831, OMIM 607450.

Allele frequency attached by ClinVar (database versions not stated): gnomAD 0.00001; TOPMed 0.00001; ExAC 0.00002; gnomAD exomes 0.00002; ESP Exome Variant Server 0.00008.
gnomAD v4.1: 17 of 1,614,016 alleles (0.0011%); highest among the groups gnomAD compares: Admixed American, 0.005%; no homozygotes.

Submissions (5):

Labcorp Genetics (formerly Invitae), Labcorp
Classification: Likely benign for Arrhythmogenic cardiomyopathy with wooly hair and keratoderma; Arrhythmogenic right ventricular dysplasia 8. Last evaluated: 2025-12-02. Review status: criteria provided, single submitter. Criteria: Invitae Variant Classification Sherloc (09022015). Collection method: clinical testing. Allele origin: germline.

PreventionGenetics, part of Exact Sciences
Classification: Uncertain significance for DSP-related condition. Last evaluated: 2025-11-13. Review status: criteria provided, single submitter. Criteria: ACMG Guidelines, 2015. Collection method: clinical testing. Allele origin: germline.
Comment: The DSP c.7702G>A variant is predicted to result in the amino acid substitution p.Gly2568Ser. This variant has been reported in a cohort study of individuals with arrhythmogenic right ventricular cardiomyopathy; however, detailed case-level information was not available (Table S6, Fedida et al. 2017. PubMed ID: 28767663). This variant is reported in 0.0035% of alleles in individuals of European (Non-Finnish) descent in gnomAD. At this time, the clinical significance of this variant is uncertain due to the absence of conclusive functional and genetic evidence.

Color Diagnostics, LLC DBA Color Health
Classification: Uncertain significance for Cardiomyopathy. Last evaluated: 2024-06-13. Review status: criteria provided, single submitter. Criteria: ACMG Guidelines, 2015. Collection method: clinical testing. Allele origin: germline.
Comment: This missense variant replaces glycine with serine at codon 2568 of the DSP protein. Computational prediction suggests that this variant may not impact protein structure and function (internally defined REVEL score threshold <= 0.5, PMID: 27666373). To our knowledge, functional studies have not been reported for this variant. This variant has been reported in an individual affected with arrhythmogenic right ventricular cardiomyopathy (PMID: 28767663). This variant has been identified in 5/251494 chromosomes in the general population by the Genome Aggregation Database (gnomAD). The available evidence is insufficient to determine the role of this variant in disease conclusively. Therefore, this variant is classified as a Variant of Uncertain Significance.

Ambry Genetics
Classification: Likely benign for Cardiovascular phenotype. Last evaluated: 2023-11-30. Review status: criteria provided, single submitter. Criteria: Ambry Variant Classification Scheme 2023. Collection method: clinical testing. Allele origin: germline.

GeneDx
Classification: Uncertain significance. Last evaluated: 2023-10-18. Review status: criteria provided, single submitter. Criteria: GeneDx Variant Classification Process June 2021. Collection method: clinical testing. Allele origin: germline. Affected: yes.
Comment: Not observed at significant frequency in large population cohorts (gnomAD); In silico analysis supports that this missense variant does not alter protein structure/function; Reported in a patient who met Task Force criteria for ARVC; however, the authors considered this variant a rare polymorphism (Fedida et al., 2017); This variant is associated with the following publications: (PMID: 28767663)

Literature cited by the submitters: PubMed 28767663 (cited by Color Diagnostics, LLC DBA Color Health and Ambry Genetics).